The following is an entry in ClinVar:

NM_001005373.4(LRSAM1):c.615C>G (p.Cys205Trp)

Gene: LRSAM1 (leucine rich repeat and sterile alpha motif containing 1; plus strand). Cytogenetic location: 9q33.3.
Variant type: single nucleotide variant.
Coding change: c.615C>G on transcript NM_001005373.4 (MANE Select); coding-DNA position 615, C replaced by G.
Protein change: p.Cys205Trp; replaces cysteine 205 with tryptophan.
Molecular consequence: missense variant. On other transcripts: 5 prime UTR variant (1), non-coding transcript variant (2).
Genome position (GRCh38, 1-based): chr9:127,467,826, C>G. VCF-style: chr9-127467826-C-G. GRCh37 (hg19) VCF-style: chr9-130230105-C-G.
Other names: c.615C>G, p.Cys205Trp (NM_001005374.4, NM_001190723.3, NM_001384142.1 and 2 more transcripts); c.-170C>G (NM_001384144.1); short protein forms C205W.
Identifiers: ClinVar variation 365015 (VCV000365015.6), dbSNP rs886063455, ClinGen allele CA10632400.
Genomic context (GRCh38, chr9:127,467,826, plus strand): 5'-GGTCTACCCGCCGCGGGAGGTGTGTGGTGCCGGCACTGCGGCCATCTTGCAGTTCCTCTG[C>G]AAAGGTAAAGCCAGGCCGCTGCCTCCTCCCCTCATTGAGGAACTATGACCCCCATGGCCA-3'
Protein context (NP_001005373.1, residues 195-215): AGTAAILQFL[Cys205Trp]KESGLEYYPP

ClinVar aggregate classification (germline): Uncertain significance. Review status: criteria provided, multiple submitters, no conflicts (2 of 4 stars). 2 submissions from 2 submitters: Uncertain significance (2). Last evaluated 2025-03-20.

Conditions:
Charcot-Marie-Tooth disease axonal type 2P. Also called: CHARCOT-MARIE-TOOTH NEUROPATHY, TYPE 2P; Charcot-Marie-Tooth Neuropathy Type 2G; CHARCOT-MARIE-TOOTH DISEASE, AXONAL, TYPE 2G; CMT 2G. Identifiers: Orphanet 300319, Orphanet 99941, MedGen C3280797, MONDO:0013753, OMIM 614436.

Submissions (2):

Labcorp Genetics (formerly Invitae), Labcorp
Classification: Uncertain significance for Charcot-Marie-Tooth disease axonal type 2P. Last evaluated: 2025-03-20. Review status: criteria provided, single submitter. Criteria: Invitae Variant Classification Sherloc (09022015). Collection method: clinical testing. Allele origin: germline.
Comment: This sequence change replaces cysteine, which is neutral and slightly polar, with tryptophan, which is neutral and slightly polar, at codon 205 of the LRSAM1 protein (p.Cys205Trp). This variant is not present in population databases (gnomAD no frequency). This variant has not been reported in the literature in individuals affected with LRSAM1-related conditions. ClinVar contains an entry for this variant (Variation ID: 365015). Invitae Evidence Modeling of protein sequence and biophysical properties (such as structural, functional, and spatial information, amino acid conservation, physicochemical variation, residue mobility, and thermodynamic stability) indicates that this missense variant is expected to disrupt LRSAM1 protein function with a positive predictive value of 80%. In summary, the available evidence is currently insufficient to determine the role of this variant in disease. Therefore, it has been classified as a Variant of Uncertain Significance.

Illumina Laboratory Services, Illumina
Classification: Uncertain significance for Charcot-Marie-Tooth disease axonal type 2P. Last evaluated: 2018-01-13. Review status: criteria provided, single submitter. Criteria: ICSL Variant Classification Criteria 13 December 2019. Collection method: clinical testing. Allele origin: germline.